The following is an entry in ClinVar:

ClinVar aggregate classification (germline): Uncertain significance (1 of 4 stars; one submission).

gnomAD v4.1: 6 of 1,613,712 alleles (0.00037%); highest among the groups gnomAD compares: Admixed American, 0.0067%; no homozygotes.

Submission:

Labcorp Genetics (formerly Invitae), Labcorp
Classification: Uncertain significance. Last evaluated: 2025-01-27. Review status: criteria provided, single submitter. Criteria: Invitae Variant Classification Sherloc (09022015). Collection method: clinical testing. Allele origin: germline.
Comment: This sequence change replaces asparagine, which is neutral and polar, with serine, which is neutral and polar, at codon 140 of the GSN protein (p.Asn140Ser). This variant is present in population databases (rs777396943, gnomAD 0.009%). This variant has not been reported in the literature in individuals affected with GSN-related conditions. An algorithm developed to predict the effect of missense changes on protein structure and function (PolyPhen-2) suggests that this variant is likely to be tolerated. In summary, the available evidence is currently insufficient to determine the role of this variant in disease. Therefore, it has been classified as a Variant of Uncertain Significance.

NM_198252.3(GSN):c.266A>G (p.Asn89Ser)

Gene: GSN (gelsolin; plus strand). Cytogenetic location: 9q33.2.
Variant type: single nucleotide variant.
Coding change: c.266A>G on transcript NM_198252.3 (MANE Select); coding-DNA position 266, A replaced by G.
Protein change: p.Asn89Ser; replaces asparagine 89 with serine.
Molecular consequence: missense variant. On other transcripts: 5 prime UTR variant (1).
Genome position (GRCh38, 1-based): chr9:121,302,980, A>G. VCF-style: chr9-121302980-A-G. GRCh37 (hg19) VCF-style: chr9-124065258-A-G.
Other names: c.266A>G, p.Asn89Ser (NM_001353059.2, NM_001353060.2, NM_001353061.2 and 10 more transcripts); c.299A>G, p.Asn100Ser (NM_001353063.2, NM_001353064.2, NM_001353065.2 and 13 more transcripts); c.338A>G, p.Asn113Ser (NM_001353076.2); c.-389A>G (NM_001353078.2); c.419A>G, p.Asn140Ser (NM_000177.5); c.374A>G, p.Asn125Ser (NM_001127663.2); c.317A>G, p.Asn106Ser (NM_001258029.2); c.290A>G, p.Asn97Ser (NM_001258030.2); short protein forms N100S, N106S, N113S, N125S, N140S, N89S, N97S.
Identifiers: ClinVar variation 3604090 (VCV003604090.2).
Genomic context (GRCh38, chr9:121,302,980, plus strand): 5'-GCAGCCAGGATGAGAGCGGGGCGGCCGCCATCTTTACCGTGCAGCTGGATGACTACCTGA[A>G]CGGCCGGGCCGTGCAGCACCGTGAGGTCCAGGGCTTCGAGTCGGCCACCTTCCTAGGCTA-3'
Protein context (NP_937895.1, residues 79-99): IFTVQLDDYL[Asn89Ser]GRAVQHREVQ